The following is an entry in ClinVar:

NM_002539.3(ODC1):c.926C>T (p.Ser309Leu)

Gene: ODC1 (ornithine decarboxylase 1; minus strand). Cytogenetic location: 2p25.1.
Variant type: single nucleotide variant.
Coding change: c.926C>T on transcript NM_002539.3 (MANE Select); coding-DNA position 926, C replaced by T.
Protein change: p.Ser309Leu; replaces serine 309 with leucine.
Molecular consequence: missense variant.
Genome position (GRCh38, 1-based): chr2:10,441,917, G>A on the plus strand (C>T on the coding strand, the complement: ODC1 is on the minus strand). VCF-style: chr2-10441917-G-A. GRCh37 (hg19) VCF-style: chr2-10582043-G-A.
Other names: c.539C>T, p.Ser180Leu (NM_001287188.2); c.926C>T, p.Ser309Leu (NM_001287189.2, NM_001287190.2); short protein forms S180L, S309L.
Identifiers: ClinVar variation 3032854 (VCV003032854.2), dbSNP rs141844180, ClinGen allele CA1526819.
Genomic context (GRCh38, chr2:10,441,917, plus strand): 5'-ATGCAATTAAATGATCCATAGACGCCATCATTCACATAATACATAAAGGTCTGCTCACTC[G>A]ACTCATCTTCGTCTAGAAAGGCAGATCAACAATCTTAATGACTTTTTGCATCAGCTTTCA-3'
Protein context (NP_002530.1, residues 299-319): EQTGSDDEDE[Ser309Leu]SEQTFMYYVN

ClinVar aggregate classification (germline): Likely benign (0 of 4 stars; one submission).

Conditions:
ODC1-related disorder. Also called: ODC1-related condition.

Allele frequency attached by ClinVar (database versions not stated): TOPMed 0.00004; ExAC 0.00005; gnomAD 0.00005; ESP Exome Variant Server 0.00023.
gnomAD v4.1: 49 of 1,613,840 alleles (0.003%); highest among the groups gnomAD compares: Non-Finnish European, 0.0036%; no homozygotes.

Submission:

PreventionGenetics, part of Exact Sciences
Classification: Likely benign for ODC1-related condition. Last evaluated: 2023-09-13. Review status: no assertion criteria provided. Collection method: clinical testing. Allele origin: germline.
Comment: This variant is classified as likely benign based on ACMG/AMP sequence variant interpretation guidelines (Richards et al. 2015 PMID: 25741868, with internal and published modifications).